The following is an entry in ClinVar:

NM_000548.5(TSC2):c.4830_4837del (p.Trp1610_Asp1613delinsTer)

Gene: TSC2 (TSC complex subunit 2; plus strand). Cytogenetic location: 16p13.3.
Variant type: Deletion.
Coding change: c.4830_4837del on transcript NM_000548.5 (MANE Select); coding-DNA positions 4830 to 4837, 8 bases deleted (GCACGATG; older notation c.4830_4837delGCACGATG).
Protein change: p.Trp1610_Asp1613delinsTer.
Molecular consequence: nonsense.
Genome position (GRCh38, 1-based): chr16:2,086,360-2,086,367, GCACGATG deleted; deleting any 8 consecutive bases within chr16:2,086,358-2,086,367 gives the same sequence; the c. name uses the placement nearest the transcript's 3' end. VCF-style (leftmost placement, unchanged base first): chr16-2086357-CTGGCACGA-C. GRCh37 (hg19) VCF-style: chr16-2136358-CTGGCACGA-C.
Other names: c.4629_4636del, p.Trp1543_Asp1546delinsTer (NM_001077183.3); c.4761_4768del, p.Trp1587_Asp1590delinsTer (NM_001114382.3); c.4521_4528del, p.Trp1507_Asp1510delinsTer (NM_001318827.2); c.4485_4492del, p.Trp1495_Asp1498delinsTer (NM_001318829.2); c.4098_4105del, p.Trp1366_Asp1369delinsTer (NM_001318831.2); c.4662_4669del, p.Trp1554_Asp1557delinsTer (NM_001318832.2); c.4632_4639del, p.Trp1544_Asp1547delinsTer (NM_001363528.2); c.4698_4705del, p.Trp1566_Asp1569delinsTer (NM_001370404.1); and 1 more.
Identifiers: ClinVar variation 648192 (VCV000648192.8), dbSNP rs1596439555, ClinGen allele CA915946312.

ClinVar aggregate classification (germline): Pathogenic (1 of 4 stars; one submission).

Conditions:
Tuberous sclerosis 2 (TSC2). Identifiers: Orphanet 805, MedGen C1860707, MONDO:0013199, OMIM 613254.

Submission:

Labcorp Genetics (formerly Invitae), Labcorp
Classification: Pathogenic for Tuberous sclerosis 2. Last evaluated: 2018-07-16. Review status: criteria provided, single submitter. Criteria: Invitae Variant Classification Sherloc (09022015). Collection method: clinical testing. Allele origin: germline.
Comment: For these reasons, this variant has been classified as Pathogenic. Loss-of-function variants in TSC2 are known to be pathogenic (PMID: 10205261, 17304050). This variant has not been reported in the literature in individuals with TSC2-related disease. However, a different variant (c.4830G>A) giving rise to the same protein effect observed here (p.Trp1610*) has been reported in an individual affected with tuberous sclerosis complex (PMID: 16877242). This variant is not present in population databases (ExAC no frequency). This sequence change creates a premature translational stop signal (p.Trp1610*) in the TSC2 gene. It is expected to result in an absent or disrupted protein product.

Literature cited by the submitters: PubMed 10205261; PubMed 17304050; PubMed 16877242.